The following is an entry in ClinVar:

NM_001128225.3(SLC39A13):c.736A>G (p.Ile246Val)

Gene: SLC39A13 (solute carrier family 39 member 13; plus strand). Cytogenetic location: 11p11.2.
Variant type: single nucleotide variant.
Coding change: c.736A>G on transcript NM_001128225.3 (MANE Select); coding-DNA position 736, A replaced by G.
Protein change: p.Ile246Val; replaces isoleucine 246 with valine.
Molecular consequence: missense variant. On other transcripts: non-coding transcript variant (1).
Genome position (GRCh38, 1-based): chr11:47,414,425, A>G. VCF-style: chr11-47414425-A-G. GRCh37 (hg19) VCF-style: chr11-47435976-A-G.
Other names: c.736A>G, p.Ile246Val (NM_001330245.2, NM_152264.5); short protein forms I246V.
Identifiers: ClinVar variation 469536 (VCV000469536.7), dbSNP rs767784704, ClinGen allele CA5975921.

ClinVar aggregate classification (germline): Uncertain significance. Review status: criteria provided, multiple submitters, no conflicts (2 of 4 stars). 2 submissions from 2 submitters: Uncertain significance (2). Last evaluated 2026-03-02.

Conditions:
Ehlers-Danlos syndrome, spondylodysplastic type, 3. Also called: Ehlers-Danlos syndrome, spondylocheirodysplastic type. Identifiers: Orphanet 157965, MedGen C2676510, MONDO:0012873, OMIM 612350.

Allele frequency attached by ClinVar (database versions not stated): gnomAD exomes 0.00001; ExAC 0.00002; TOPMed 0.00004.
gnomAD v4.1: 30 of 1,609,788 alleles (0.0019%); highest among the groups gnomAD compares: Non-Finnish European, 0.0025%; no homozygotes.

Submissions (2):

Women's Health and Genetics/Laboratory Corporation of America, LabCorp
Classification: Uncertain significance. Last evaluated: 2026-03-02. Review status: criteria provided, single submitter. Criteria: LabCorp Variant Classification Summary - May 2015. Collection method: clinical testing. Allele origin: germline.
Comment: Variant summary: SLC39A13 c.736A>G (p.Ile246Val) results in a conservative amino acid change in the encoded protein sequence. Algorithms developed to predict the effect of missense changes on protein structure and function are either unavailable or do not agree on the potential impact of this missense change. Several computational tools predict a significant impact on normal splicing: Four predict the variant no significant impact on splicing. Three predict the variant creates a 5' donor site. However, these predictions have yet to be confirmed by functional studies. The variant allele was found at a frequency of 8.3e-06 in 240950 control chromosomes. The available data on variant occurrences in the general population are insufficient to allow any conclusion about variant significance. To our knowledge, no occurrence of c.736A>G in individuals affected with SLC39A13-related conditions and no experimental evidence demonstrating its impact on protein function have been reported. ClinVar contains an entry for this variant (Variation ID: 469536). Based on the evidence outlined above, the variant was classified as uncertain significance.

Labcorp Genetics (formerly Invitae), Labcorp
Classification: Uncertain significance for Ehlers-Danlos syndrome, spondylodysplastic type, 3. Last evaluated: 2021-09-01. Review status: criteria provided, single submitter. Criteria: Invitae Variant Classification Sherloc (09022015). Collection method: clinical testing. Allele origin: germline.
Comment: This sequence change replaces isoleucine with valine at codon 246 of the SLC39A13 protein (p.Ile246Val). The isoleucine residue is weakly conserved and there is a small physicochemical difference between isoleucine and valine. This variant is present in population databases (rs767784704, ExAC 0.005%). This variant has not been reported in the literature in individuals affected with SLC39A13-related conditions. Algorithms developed to predict the effect of missense changes on protein structure and function (SIFT, PolyPhen-2, Align-GVGD) all suggest that this variant is likely to be tolerated. Algorithms developed to predict the effect of sequence changes on RNA splicing suggest that this variant may create or strengthen a splice site. In summary, the available evidence is currently insufficient to determine the role of this variant in disease. Therefore, it has been classified as a Variant of Uncertain Significance.